The following is an entry in ClinVar:

ClinVar aggregate classification (germline): Likely pathogenic (1 of 4 stars; one submission).

Submission:

Labcorp Genetics (formerly Invitae), Labcorp
Classification: Likely pathogenic. Last evaluated: 2023-12-01. Review status: criteria provided, single submitter. Criteria: Invitae Variant Classification Sherloc (09022015). Collection method: clinical testing. Allele origin: germline.
Comment: This sequence change affects an acceptor splice site in intron 2 of the SAG gene. It is expected to disrupt RNA splicing. Variants that disrupt the donor or acceptor splice site typically lead to a loss of protein function (PMID: 16199547), and loss-of-function variants in SAG are known to be pathogenic (PMID: 9452120, 15234147, 22665972). This variant is not present in population databases (gnomAD no frequency). This variant has not been reported in the literature in individuals affected with SAG-related conditions. Algorithms developed to predict the effect of sequence changes on RNA splicing suggest that this variant may disrupt the consensus splice site. In summary, the currently available evidence indicates that the variant is pathogenic, but additional data are needed to prove that conclusively. Therefore, this variant has been classified as Likely Pathogenic.

Literature cited by the submitters: PubMed 16199547; PubMed 9452120; PubMed 15234147; PubMed 22665972.

NM_000541.5(SAG):c.76-1G>A

Gene: SAG (S-antigen visual arrestin; plus strand). Cytogenetic location: 2q37.1.
Variant type: single nucleotide variant.
Coding change: c.76-1G>A on transcript NM_000541.5 (MANE Select); the canonical splice acceptor site of the intron before coding-DNA position 76, G replaced by A.
Molecular consequence: splice acceptor variant.
Genome position (GRCh38, 1-based): chr2:233,316,074, G>A. VCF-style: chr2-233316074-G-A. GRCh37 (hg19) VCF-style: chr2-234224720-G-A.
Identifiers: ClinVar variation 2700213 (VCV002700213.3), dbSNP rs2469753792, ClinGen allele CA351043566.
Genomic context (GRCh38, chr2:233,316,074, plus strand): 5'-ATCATGGATGCCTTAGCTTAGCATTCTTTGGCCCTTAGACCCACACCTGTTCTTCTTGCA[G>A]GTGACCATCTACCTGGGGAACAGAGACTACATAGACCATGTCAGCCAAGTCCAGCCTGTG-3'